The following is an entry in ClinVar:

ClinVar aggregate classification (germline): Likely pathogenic (1 of 4 stars; one submission).

Conditions:
Giant axonal neuropathy 1 (GAN1). Also called: GIANT AXONAL NEUROPATHY 1, AUTOSOMAL RECESSIVE; GAN-Related Neurodegeneration. Identifiers: Orphanet 643, MedGen C1850386, MONDO:0009749, OMIM 256850.

Submission:

Laboratorio de Genetica e Diagnostico Molecular, Hospital Israelita Albert Einstein
Classification: Likely pathogenic for Giant axonal neuropathy 1. Last evaluated: 2022-02-03. Review status: criteria provided, single submitter. Criteria: ACMG Guidelines, 2015. Collection method: clinical testing. Allele origin: germline. Affected: yes.
Comment: ACMG classification criteria: PVS1 very strong, PM2 moderate

NM_022041.4(GAN):c.202G>T (p.Gly68Ter)

Gene: GAN (gigaxonin; plus strand). Cytogenetic location: 16q23.2.
Variant type: single nucleotide variant.
Coding change: c.202G>T on transcript NM_022041.4 (MANE Select); coding-DNA position 202, G replaced by T.
Protein change: p.Gly68Ter; replaces glycine 68 with a stop codon.
Molecular consequence: nonsense. On other transcripts: intron variant (1).
Genome position (GRCh38, 1-based): chr16:81,351,617, G>T. VCF-style: chr16-81351617-G-T. GRCh37 (hg19) VCF-style: chr16-81385222-G-T.
Other names: c.-357-2788G>T (NM_001377486.1); short protein forms G68*.
Identifiers: ClinVar variation 1683710 (VCV001683710.2), dbSNP rs2150683817, ClinGen allele CA396865429.